The following is an entry in ClinVar:

NM_001297.5(CNGB1):c.1643+1G>C

Gene: CNGB1 (cyclic nucleotide gated channel subunit beta 1; minus strand). Cytogenetic location: 16q21.
Variant type: single nucleotide variant.
Coding change: c.1643+1G>C on transcript NM_001297.5 (MANE Select); the canonical splice donor site of the intron after coding-DNA position 1643, G replaced by C.
Molecular consequence: splice donor variant.
Genome position (GRCh38, 1-based): chr16:57,923,272, C>G on the plus strand (G>C on the coding strand, the complement: CNGB1 is on the minus strand). VCF-style: chr16-57923272-C-G. GRCh37 (hg19) VCF-style: chr16-57957176-C-G.
Other names: c.1625+1G>C (NM_001286130.2).
Identifiers: ClinVar variation 1067778 (VCV001067778.7), dbSNP rs1356992077, ClinGen allele CA396067863.
Genomic context (GRCh38, chr16:57,923,272, plus strand): 5'-CCCCACATCCCCCACCCTCCCCGCAGTCTTTCAATTTTCTGAGACCCCAGAGGGGTCTCA[C>G]TCAGTGTCCTTCGGGGTGGTGGGGTCAGACCAGGCAACCACTGGGGACTCTGCTGGTGAC-3'

ClinVar aggregate classification (germline): Likely pathogenic (1 of 4 stars; one submission).

Allele frequency attached by ClinVar (database versions not stated): gnomAD exomes below 0.00001 and 0.00001; TOPMed 0.00002; gnomAD 0.00003; 1000 Genomes Project 30x 0.00031.
gnomAD v4.1: 9 of 1,600,514 alleles (0.00056%); highest among the groups gnomAD compares: African/African-American, 0.012%; no homozygotes.

Submission:

Labcorp Genetics (formerly Invitae), Labcorp
Classification: Likely pathogenic. Last evaluated: 2024-04-07. Review status: criteria provided, single submitter. Criteria: Invitae Variant Classification Sherloc (09022015). Collection method: clinical testing. Allele origin: germline.
Comment: This sequence change affects a donor splice site in intron 18 of the CNGB1 gene. It is expected to disrupt RNA splicing. Variants that disrupt the donor or acceptor splice site typically lead to a loss of protein function (PMID: 16199547), and loss-of-function variants in CNGB1 are known to be pathogenic (PMID: 15557452, 24043777). This variant is present in population databases (no rsID available, gnomAD 0.02%). This variant has not been reported in the literature in individuals affected with CNGB1-related conditions. ClinVar contains an entry for this variant (Variation ID: 1067778). Algorithms developed to predict the effect of sequence changes on RNA splicing suggest that this variant may disrupt the consensus splice site. In summary, the currently available evidence indicates that the variant is pathogenic, but additional data are needed to prove that conclusively. Therefore, this variant has been classified as Likely Pathogenic.

Literature cited by the submitters: PubMed 16199547; PubMed 15557452; PubMed 24043777.